The following is an entry in ClinVar:

ClinVar aggregate classification (germline): Uncertain significance (1 of 4 stars; one submission).

Conditions:
Distal hereditary motor neuropathy type 2. Identifiers: Orphanet 139525, MedGen C3711384, MeSH C580044, MONDO:0015352.

Allele frequency attached by ClinVar (database versions not stated): gnomAD exomes 0.00002; ExAC 0.00002.
gnomAD v4.1: 23 of 1,613,914 alleles (0.0014%); highest among the groups gnomAD compares: Non-Finnish European, 0.0018%; no homozygotes.

Submission:

Labcorp Genetics (formerly Invitae), Labcorp
Classification: Uncertain significance for Distal hereditary motor neuropathy type 2. Last evaluated: 2022-03-25. Review status: criteria provided, single submitter. Criteria: Invitae Variant Classification Sherloc (09022015). Collection method: clinical testing. Allele origin: germline.
Comment: In summary, the available evidence is currently insufficient to determine the role of this variant in disease. Therefore, it has been classified as a Variant of Uncertain Significance. Algorithms developed to predict the effect of missense changes on protein structure and function are either unavailable or do not agree on the potential impact of this missense change (SIFT: "Deleterious"; PolyPhen-2: "Benign"; Align-GVGD: "Class C0"). This variant has not been reported in the literature in individuals affected with FBXO38-related conditions. This variant is present in population databases (rs770314457, gnomAD 0.003%). This sequence change replaces arginine, which is basic and polar, with glutamine, which is neutral and polar, at codon 897 of the FBXO38 protein (p.Arg897Gln).

NM_205836.3(FBXO38):c.2915G>A (p.Arg972Gln)

Gene: FBXO38 (F-box protein 38; plus strand). Cytogenetic location: 5q32.
Variant type: single nucleotide variant.
Coding change: c.2915G>A on transcript NM_205836.3 (MANE Select); coding-DNA position 2915, G replaced by A.
Protein change: p.Arg972Gln; replaces arginine 972 with glutamine.
Molecular consequence: missense variant.
Genome position (GRCh38, 1-based): chr5:148,438,389, G>A. VCF-style: chr5-148438389-G-A. GRCh37 (hg19) VCF-style: chr5-147817952-G-A.
Other names: c.2180G>A, p.Arg727Gln (NM_001271723.2); c.2690G>A, p.Arg897Gln (NM_030793.5); short protein forms R727Q, R897Q, R972Q.
Identifiers: ClinVar variation 2073402 (VCV002073402.4), dbSNP rs770314457, ClinGen allele CA3497630.